The following is an entry in ClinVar:

ClinVar aggregate classification (germline): Pathogenic (1 of 4 stars; one submission).

Conditions:
Paediatric disorders.

Submission:

North West Genomic Laboratory Hub, Manchester University NHS Foundation Trust
Classification: Pathogenic for Paediatric disorders. Last evaluated: 2026-04-18. Review status: criteria provided, single submitter. Criteria: ACGS Best Practice Guidelines for Variant Classification in Rare Disease 2024. Collection method: clinical testing. Allele origin: germline. Affected: yes.
Comment: PVS1_VStr PM2_Mod

NM_020771.4(HACE1):c.2349dup (p.Leu784fs)

Gene: HACE1 (HECT domain and ankyrin repeat containing E3 ubiquitin protein ligase 1; minus strand). Cytogenetic location: 6q16.3.
Variant type: Duplication.
Coding change: c.2349dup on transcript NM_020771.4 (MANE Select); coding-DNA position 2349, one base duplicated (A; older notation c.2349dupA).
Protein change: p.Leu784fs; shifts the reading frame from leucine 784.
Molecular consequence: frameshift variant. On other transcripts: non-coding transcript variant (7).
Genome position (GRCh38, 1-based): chr6:104,744,605, T duplicated on the plus strand (A on the coding strand, the reverse complement: HACE1 is on the minus strand). VCF-style (leftmost placement, unchanged base first): chr6-104744604-G-GT. GRCh37 (hg19) VCF-style: chr6-105192479-G-GT.
Other names: c.2217dup, p.Leu740fs (NM_001321080.2); c.2247dup, p.Leu750fs (NM_001321083.2); c.1845dup, p.Leu616fs (NM_001321084.2, NM_001350557.2, NM_001350558.2); c.2115dup, p.Leu706fs (NM_001350554.2); c.2058dup, p.Leu687fs (NM_001350555.2); c.1863dup, p.Leu622fs (NM_001350556.2); c.1767dup, p.Leu590fs (NM_001350559.2); c.1566dup, p.Leu523fs (NM_001350560.2); short protein forms L523fs, L590fs, L616fs, L622fs, L687fs, L706fs, L740fs, L750fs.
Identifiers: ClinVar variation 5010327 (VCV005010327.1).
Genomic context (GRCh38, chr6:104,744,604, plus strand): 5'-TTGTGTATTCTGTATTTTTTATCCAATCACTCACATCAATTTCTGGCATGCCAGAAAGCA[G>GT]TAGCTCCTTGGGGGAAGAAGAAAAATATTTCAATAATTTTCTTTAGGGAAAAAAGTTATT-3'